The following is an entry in ClinVar:

ClinVar aggregate classification (germline): Uncertain significance. Review status: criteria provided, multiple submitters, no conflicts (2 of 4 stars). 2 submissions from 2 submitters: Uncertain significance (2). Last evaluated 2025-09-24.

Conditions:
Noonan syndrome 9 (NS9). Identifiers: Orphanet 648, MedGen C4225282, MONDO:0014691, OMIM 616559.

gnomAD v4.1: 4 of 1,613,988 alleles (0.00025%); highest among the groups gnomAD compares: South Asian, 0.0033%; no homozygotes.

Submissions (2):

Labcorp Genetics (formerly Invitae), Labcorp
Classification: Uncertain significance for Noonan syndrome 9. Last evaluated: 2025-09-24. Review status: criteria provided, single submitter. Criteria: Invitae Variant Classification Sherloc (09022015). Collection method: clinical testing. Allele origin: germline.
Comment: This sequence change replaces lysine, which is basic and polar, with arginine, which is basic and polar, at codon 419 of the SOS2 protein (p.Lys419Arg). This variant is not present in population databases (gnomAD no frequency). This variant has not been reported in the literature in individuals affected with SOS2-related conditions. ClinVar contains an entry for this variant (Variation ID: 2162245). Invitae Evidence Modeling of protein sequence and biophysical properties (such as structural, functional, and spatial information, amino acid conservation, physicochemical variation, residue mobility, and thermodynamic stability) indicates that this missense variant is not expected to disrupt SOS2 protein function with a negative predictive value of 95%. In summary, the available evidence is currently insufficient to determine the role of this variant in disease. Therefore, it has been classified as a Variant of Uncertain Significance.

Revvity Omics, Revvity
Classification: Uncertain significance for Noonan syndrome 9. Last evaluated: 2024-04-09. Review status: criteria provided, single submitter. Criteria: ACMG Guidelines, 2015. Collection method: clinical testing. Allele origin: germline.

NM_006939.4(SOS2):c.1256A>G (p.Lys419Arg)

Gene: SOS2 (SOS Ras/Rho guanine nucleotide exchange factor 2; minus strand). Cytogenetic location: 14q21.3.
Variant type: single nucleotide variant.
Coding change: c.1256A>G on transcript NM_006939.4 (MANE Select); coding-DNA position 1256, A replaced by G.
Protein change: p.Lys419Arg; replaces lysine 419 with arginine.
Molecular consequence: missense variant.
Genome position (GRCh38, 1-based): chr14:50,160,027, T>C on the plus strand (A>G on the coding strand, the complement: SOS2 is on the minus strand). VCF-style: chr14-50160027-T-C. GRCh37 (hg19) VCF-style: chr14-50626745-T-C.
Other names: c.1157A>G, p.Lys386Arg (NM_001411020.1); short protein forms K386R, K419R.
Identifiers: ClinVar variation 2162245 (VCV002162245.5), dbSNP rs199998698, ClinGen allele CA260736351.
Genomic context (GRCh38, chr14:50,160,027, plus strand): 5'-CAACACTGTCCAATATCTTTGCCTTCCCATCCATCGATATTTTTCTGAATTTCATTCATT[T>C]TTTTGATAGCCAGGTGTTTGCTTCTTAATTGGTGACTATAAAAAGGGCAAACAGGATCTC-3'
Protein context (NP_008870.2, residues 409-429): QLRSKHLAIK[Lys419Arg]MNEIQKNIDG